The following is an entry in ClinVar:

ClinVar aggregate classification (germline): Benign. Review status: criteria provided, multiple submitters, no conflicts (2 of 4 stars). 2 submissions from 2 submitters: Benign (2). Last evaluated 2018-06-14.

Allele frequency attached by ClinVar (database versions not stated): gnomAD exomes 0.03049; gnomAD 0.11530 and 0.12093; TOPMed 0.12639; 1000 Genomes Project 0.12859; 1000 Genomes Project 30x 0.13585.
gnomAD v4.1: 61,987 of 1,585,658 alleles (3.9%); highest among the groups gnomAD compares: African/African-American, 35%; 5,486 homozygotes.

Submissions (2):

GeneDx
Classification: Benign. Last evaluated: 2018-06-14. Review status: criteria provided, single submitter. Criteria: GeneDx Variant Classification (06012015). Collection method: clinical testing. Allele origin: germline. Affected: yes.
Comment: This variant is considered likely benign or benign based on one or more of the following criteria: it is a conservative change, it occurs at a poorly conserved position in the protein, it is predicted to be benign by multiple in silico algorithms, and/or has population frequency not consistent with disease.

Breakthrough Genomics
Classification: Benign. Review status: criteria provided, single submitter. Criteria: ACMG Guidelines, 2015. Collection method: not provided. Allele origin: germline. Inheritance: Autosomal dominant inheritance. Affected: yes.

NM_000088.4(COL1A1):c.643-81C>T

Gene: COL1A1 (collagen type I alpha 1 chain; minus strand). Cytogenetic location: 17q21.33.
Variant type: single nucleotide variant.
Coding change: c.643-81C>T on transcript NM_000088.4 (MANE Select); 81 bases into the intron before coding-DNA position 643, C replaced by T.
Molecular consequence: intron variant.
Genome position (GRCh38, 1-based): chr17:50,197,866, G>A on the plus strand (C>T on the coding strand, the complement: COL1A1 is on the minus strand). VCF-style: chr17-50197866-G-A. GRCh37 (hg19) VCF-style: chr17-48275227-G-A.
Identifiers: ClinVar variation 675131 (VCV000675131.2), dbSNP rs9913817, ClinGen allele CA15909734.
Genomic context (GRCh38, chr17:50,197,866, plus strand): 5'-GGTTAGAATATGGATAAGAAAAAAAGAAGGGGAAGGCTGGGATTGAAGGGAAGAGGTAAG[G>A]AAGACCCCAGGCCTGGGAGTTCTTCTATAGGAGAGTCTGTGTGTTTGTAGAAGGAGTATG-3'